The following is an entry in ClinVar:

ClinVar aggregate classification (germline): Uncertain significance. Review status: criteria provided, single submitter (1 of 4 stars). 2 submissions from 2 submitters: Uncertain significance (1). 1 of the submissions does not count toward it. Last evaluated 2021-01-09.

Conditions:
Pituitary hormone deficiency, combined or isolated, 8 (CPHD8). Identifiers: MedGen C5830375, MONDO:0957208, OMIM 620303.
Pituitary stalk interruption syndrome. Identifiers: Orphanet 95496, MedGen C4053775, MONDO:0019828.

gnomAD v4.1: 2 of 1,613,820 alleles (0.00012%); highest among the groups gnomAD compares: Non-Finnish European, 0.00017%; no homozygotes.

Submissions (2):

Institute of Human Genetics, University of Leipzig Medical Center
Classification: Uncertain significance for Pituitary stalk interruption syndrome. Last evaluated: 2021-01-09. Review status: criteria provided, single submitter. Criteria: ACMG Guidelines, 2015. Collection method: curation. Allele origin: germline. Inheritance: Autosomal dominant inheritance. Affected: yes.
Comment: This variant was reported as ROBO1 c.1690C>T, p.Pro564Ser variant (RefSeq: NM_002941.3; Chr3: 78717393) in an individual (Liu_Index) with Pituitary Stalk Interruption Syndrome (PMID: 31448886 (liu2019)). Inheritance was reported as dominant (heterozygous) (maternal). The variant was reviewed according to current ACMG recommendations and classified as Uncertain Significance (criteria: PM2_Supporting, PP3_Supporting) at the variant level; the gene-disease association is currently not established in curated databases.

OMIM
Classification: Pathogenic for PITUITARY HORMONE DEFICIENCY, COMBINED, 8. Last evaluated: 2023-04-05. Review status: no assertion criteria provided. Collection method: literature only. Allele origin: germline. Not counted in ClinVar's aggregate classification.

Literature cited by the submitters: PubMed 31448886 (cited by Institute of Human Genetics, University of Leipzig Medical Center and OMIM).

NM_002941.4(ROBO1):c.1690C>T (p.Pro564Ser)

Gene: ROBO1 (roundabout guidance receptor 1; minus strand). Cytogenetic location: 3p12.3.
Variant type: single nucleotide variant.
Coding change: c.1690C>T on transcript NM_002941.4 (MANE Select); coding-DNA position 1690, C replaced by T.
Protein change: p.Pro564Ser; replaces proline 564 with serine.
Molecular consequence: missense variant.
Genome position (GRCh38, 1-based): chr3:78,668,243, G>A on the plus strand (C>T on the coding strand, the complement: ROBO1 is on the minus strand). VCF-style: chr3-78668243-G-A. GRCh37 (hg19) VCF-style: chr3-78717393-G-A.
Other names: c.1582C>T, p.Pro528Ser (NM_001145845.2, NM_133631.4); short protein forms P528S, P564S.
Identifiers: ClinVar variation 995978 (VCV000995978.2), dbSNP rs1229827011, ClinGen allele CA353670435.
Genomic context (GRCh38, chr3:78,668,243, plus strand): 5'-TTGGTTGCCACGATAATGTGACTGTATTTCTGCTGACATCTGTCACTTCAGGTTTTGATG[G>A]GGCACTAGGGATTAAATTTGGGTCAGTAGGTCTTGGAGGCTGAACTGGAACTCCAAATTC-3'
Protein context (NP_002932.1, residues 554-574): PTDPNLIPSA[Pro564Ser]SKPEVTDVSR